The following is an entry in ClinVar:

ClinVar aggregate classification (germline): Uncertain significance. Review status: criteria provided, multiple submitters, no conflicts (2 of 4 stars). 2 submissions from 2 submitters: Uncertain significance (2). Last evaluated 2022-07-24.

Allele frequency attached by ClinVar (database versions not stated): gnomAD exomes below 0.00001.

Submissions (2):

Labcorp Genetics (formerly Invitae), Labcorp
Classification: Uncertain significance. Last evaluated: 2022-07-24. Review status: criteria provided, single submitter. Criteria: Invitae Variant Classification Sherloc (09022015). Collection method: clinical testing. Allele origin: germline.
Comment: In summary, the available evidence is currently insufficient to determine the role of this variant in disease. Therefore, it has been classified as a Variant of Uncertain Significance. Algorithms developed to predict the effect of missense changes on protein structure and function are either unavailable or do not agree on the potential impact of this missense change (SIFT: "Deleterious"; PolyPhen-2: "Probably Damaging"; Align-GVGD: "Class C0"). ClinVar contains an entry for this variant (Variation ID: 389649). This variant has not been reported in the literature in individuals affected with C2CD3-related conditions. This variant is not present in population databases (gnomAD no frequency). This sequence change replaces methionine, which is neutral and non-polar, with isoleucine, which is neutral and non-polar, at codon 110 of the C2CD3 protein (p.Met110Ile).

GeneDx
Classification: Uncertain significance. Last evaluated: 2016-10-11. Review status: criteria provided, single submitter. Criteria: GeneDx Variant Classification (06012015). Collection method: clinical testing. Allele origin: germline. Affected: yes.
Comment: The M110I variant in the C2CD3 gene has not been reported previously as a pathogenic variant, nor as a benign variant, to our knowledge. The M110I variant was not observed in approximately 6500 individuals of European and African American ancestry in the NHLBI Exome Sequencing Project, indicating it is not a common benign variant in these populations. The M110I variant is a conservative amino acid substitution, which is not likely to impact secondary protein structure as these residues share similar properties. However, this substitution occurs at a position that is conserved across species, and in silico analysis predicts this variant is probably damaging to the protein structure/function. Therefore, we interpret M110I as a variant of uncertain significance.

NM_001286577.2(C2CD3):c.330G>A (p.Met110Ile)

Gene: C2CD3 (C2 domain containing 3 centriole elongation regulator; minus strand). Cytogenetic location: 11q13.4.
Variant type: single nucleotide variant.
Coding change: c.330G>A on transcript NM_001286577.2 (MANE Select); coding-DNA position 330, G replaced by A.
Protein change: p.Met110Ile; replaces methionine 110 with isoleucine.
Molecular consequence: missense variant.
Genome position (GRCh38, 1-based): chr11:74,161,552, C>T on the plus strand (G>A on the coding strand, the complement: C2CD3 is on the minus strand). VCF-style: chr11-74161552-C-T. GRCh37 (hg19) VCF-style: chr11-73872597-C-T.
Other names: c.330G>A, p.Met110Ile (NM_015531.6); short protein forms M110I.
Identifiers: ClinVar variation 389649 (VCV000389649.6), dbSNP rs1057523498, ClinGen allele CA16606422.